The following is an entry in ClinVar:

ClinVar aggregate classification (germline): Uncertain significance. Review status: criteria provided, single submitter (1 of 4 stars). 2 submissions from 2 submitters: Uncertain significance (1). 1 of the submissions does not count toward it. Last evaluated 2023-11-18.

Conditions:
PLXNA2-related disorder. Also called: PLXNA2-related condition.

Allele frequency attached by ClinVar (database versions not stated): TOPMed below 0.00001; gnomAD 0.00005; ExAC 0.00009.
gnomAD v4.1: 113 of 1,613,120 alleles (0.007%); highest among the groups gnomAD compares: South Asian, 0.12%; 1 homozygote.

Submissions (2):

Labcorp Genetics (formerly Invitae), Labcorp
Classification: Uncertain significance. Last evaluated: 2023-11-18. Review status: criteria provided, single submitter. Criteria: Invitae Variant Classification Sherloc (09022015). Collection method: clinical testing. Allele origin: germline.
Comment: This sequence change replaces glutamine, which is neutral and polar, with lysine, which is basic and polar, at codon 992 of the PLXNA2 protein (p.Gln992Lys). This variant is present in population databases (rs759749343, gnomAD 0.09%), and has an allele count higher than expected for a pathogenic variant. This variant has not been reported in the literature in individuals affected with PLXNA2-related conditions. Advanced modeling of protein sequence and biophysical properties (such as structural, functional, and spatial information, amino acid conservation, physicochemical variation, residue mobility, and thermodynamic stability) performed at Invitae indicates that this missense variant is not expected to disrupt PLXNA2 protein function with a negative predictive value of 80%. In summary, the available evidence is currently insufficient to determine the role of this variant in disease. Therefore, it has been classified as a Variant of Uncertain Significance.

PreventionGenetics, part of Exact Sciences
Classification: Uncertain significance for PLXNA2-related condition. Last evaluated: 2024-01-12. Review status: no assertion criteria provided. Collection method: clinical testing. Allele origin: germline. Not counted in ClinVar's aggregate classification.
Comment: The PLXNA2 c.2974C>A variant is predicted to result in the amino acid substitution p.Gln992Lys. To our knowledge, this variant has not been reported in the literature. This variant is reported in 0.088% of alleles in individuals of South Asian descent in gnomAD. Although we suspect that this variant may be benign, at this time, the clinical significance is uncertain due to the absence of conclusive functional and genetic evidence.

NM_025179.4(PLXNA2):c.2974C>A (p.Gln992Lys)

Gene: PLXNA2 (plexin A2; minus strand). Cytogenetic location: 1q32.2.
Variant type: single nucleotide variant.
Coding change: c.2974C>A on transcript NM_025179.4 (MANE Select); coding-DNA position 2974, C replaced by A.
Protein change: p.Gln992Lys; replaces glutamine 992 with lysine.
Molecular consequence: missense variant.
Genome position (GRCh38, 1-based): chr1:208,052,346, G>T on the plus strand (C>A on the coding strand, the complement: PLXNA2 is on the minus strand). VCF-style: chr1-208052346-G-T. GRCh37 (hg19) VCF-style: chr1-208225691-G-T.
Other names: c.2974C>A (NM_025179.3); short protein forms Q992K.
Identifiers: ClinVar variation 2889833 (VCV002889833.5), dbSNP rs759749343, ClinGen allele CA1373339.
Genomic context (GRCh38, chr1:208,052,346, plus strand): 5'-CAGATGTGCAGTCTTCTGGTGGCCCTTCAAGTTTATCTCACCCGTAGAACTCGCAGGTCT[G>T]GTTGCCCAGGTAGACTGCCACGCTGCTCCCAGCCCCAAGGTAATGGCCGGTAATGGTCAC-3'
Protein context (NP_079455.3, residues 982-1002): GSSVAVYLGN[Gln992Lys]TCEFYGRSMS